The following is an entry in ClinVar:

ClinVar aggregate classification (germline): Uncertain significance (0 of 4 stars; one submission).

Conditions:
WDFY4-related disorder. Also called: WDFY4-related condition.

gnomAD v4.1: 1 of 1,551,596 alleles (0.000064%); highest among the groups gnomAD compares: Non-Finnish European, 0.000087%; no homozygotes.

Submission:

PreventionGenetics, part of Exact Sciences
Classification: Uncertain significance for WDFY4-related condition. Last evaluated: 2024-03-23. Review status: no assertion criteria provided. Collection method: clinical testing. Allele origin: germline.
Comment: The WDFY4 c.5573T>C variant is predicted to result in the amino acid substitution p.Val1858Ala. To our knowledge, this variant has not been reported in the literature or in a large population database, indicating this variant is rare. At this time, the clinical significance of this variant is uncertain due to the absence of conclusive functional and genetic evidence.

NM_001394531.1(WDFY4):c.5573T>C (p.Val1858Ala)

Gene: WDFY4 (WDFY family member 4; plus strand). Cytogenetic location: 10q11.23.
Variant type: single nucleotide variant.
Coding change: c.5573T>C on transcript NM_001394531.1 (MANE Select); coding-DNA position 5573, T replaced by C.
Protein change: p.Val1858Ala; replaces valine 1858 with alanine.
Molecular consequence: missense variant.
Genome position (GRCh38, 1-based): chr10:48,820,301, T>C. VCF-style: chr10-48820301-T-C. GRCh37 (hg19) VCF-style: chr10-50028346-T-C.
Other names: c.5573T>C, p.Val1858Ala (NM_020945.2); short protein forms V1858A.
Identifiers: ClinVar variation 3355149 (VCV003355149.1).